The following is an entry in ClinVar:

NM_020937.4(FANCM):c.3101G>A (p.Cys1034Tyr)

Gene: FANCM (FA complementation group M; plus strand). Cytogenetic location: 14q21.2.
Variant type: single nucleotide variant.
Coding change: c.3101G>A on transcript NM_020937.4 (MANE Select); coding-DNA position 3101, G replaced by A.
Protein change: p.Cys1034Tyr; replaces cysteine 1034 with tyrosine.
Molecular consequence: missense variant.
Genome position (GRCh38, 1-based): chr14:45,175,855, G>A. VCF-style: chr14-45175855-G-A. GRCh37 (hg19) VCF-style: chr14-45645058-G-A.
Other names: c.3023G>A, p.Cys1008Tyr (NM_001308133.2); short protein forms C1034Y, C1008Y.
Identifiers: ClinVar variation 3674241 (VCV003674241.3).
Genomic context (GRCh38, chr14:45,175,855, plus strand): 5'-GTACTGCACTTGAGAATTTGCTTTTCTTACCCTGTGCAGAGCATTTACGAAGTGATAAAT[G>A]CACCTGTTTGCTGTCACATTCAGCTGTGAATTCTCAACAGAATTTAGAATTGAATTCACT-3'
Protein context (NP_065988.1, residues 1024-1044): PCAEHLRSDK[Cys1034Tyr]TCLLSHSAVN

ClinVar aggregate classification (germline): Uncertain significance. Review status: criteria provided, multiple submitters, no conflicts (2 of 4 stars). 2 submissions from 2 submitters: Uncertain significance (2). Last evaluated 2025-03-08.

Conditions:
Inborn genetic diseases. Identifiers: MedGen C0950123, MeSH D030342.
Fanconi anemia (FA). Also called: Fanconi's anemia. Identifiers: Orphanet 84, MedGen C0015625, MeSH D005199, MONDO:0019391.

gnomAD v4.1: 6 of 1,613,854 alleles (0.00037%); highest among the groups gnomAD compares: Non-Finnish European, 0.00051%; no homozygotes.

Submissions (2):

Ambry Genetics
Classification: Uncertain significance for Inborn genetic diseases. Last evaluated: 2025-03-08. Review status: criteria provided, single submitter. Criteria: Ambry Variant Classification Scheme 2023. Collection method: clinical testing. Allele origin: germline.
Comment: The p.C1034Y variant (also known as c.3101G>A), located in coding exon 14 of the FANCM gene, results from a G to A substitution at nucleotide position 3101. The cysteine at codon 1034 is replaced by tyrosine, an amino acid with highly dissimilar properties. This amino acid position is conserved. In addition, this alteration is predicted to be tolerated by in silico analysis. Based on the available evidence, the clinical significance of this variant remains unclear.

Labcorp Genetics (formerly Invitae), Labcorp
Classification: Uncertain significance for Fanconi anemia. Last evaluated: 2024-05-21. Review status: criteria provided, single submitter. Criteria: Invitae Variant Classification Sherloc (09022015). Collection method: clinical testing. Allele origin: germline.
Comment: This sequence change replaces cysteine, which is neutral and slightly polar, with tyrosine, which is neutral and polar, at codon 1034 of the FANCM protein (p.Cys1034Tyr). This variant is not present in population databases (gnomAD no frequency). This variant has not been reported in the literature in individuals affected with FANCM-related conditions. An algorithm developed to predict the effect of missense changes on protein structure and function (PolyPhen-2) suggests that this variant is likely to be tolerated. In summary, the available evidence is currently insufficient to determine the role of this variant in disease. Therefore, it has been classified as a Variant of Uncertain Significance.